The following is an entry in ClinVar:

NM_152703.5(SAMD9L):c.3026G>A (p.Cys1009Tyr)

Gene: SAMD9L (sterile alpha motif domain containing 9 like; minus strand). Cytogenetic location: 7q21.2.
Variant type: single nucleotide variant.
Coding change: c.3026G>A on transcript NM_152703.5 (MANE Select); coding-DNA position 3026, G replaced by A.
Protein change: p.Cys1009Tyr; replaces cysteine 1009 with tyrosine.
Molecular consequence: missense variant.
Genome position (GRCh38, 1-based): chr7:93,132,946, C>T on the plus strand (G>A on the coding strand, the complement: SAMD9L is on the minus strand). VCF-style: chr7-93132946-C-T. GRCh37 (hg19) VCF-style: chr7-92762259-C-T.
Other names: c.3026G>A, p.Cys1009Tyr (NM_001303496.3, NM_001303497.3, NM_001303498.3 and 5 more transcripts); short protein forms C1009Y.
Identifiers: ClinVar variation 4630108 (VCV004630108.1).
Genomic context (GRCh38, chr7:93,132,946, plus strand): 5'-TCTCTTCCTATTCCAGAATCATAGAATAAATTCTCTTCTAATATATTCAATGCAATTTGA[C>T]ATTTATCCAAGTGATAGCTTCTTTCCAGTTCTTTTAGACAGTACAGGGCAATCAGAGGGT-3'
Protein context (NP_689916.2, residues 999-1019): ELERSYHLDK[Cys1009Tyr]QIALNILEEN

ClinVar aggregate classification (germline): Uncertain significance (1 of 4 stars; one submission).

Conditions:
Inborn genetic diseases. Identifiers: MedGen C0950123, MeSH D030342.

Submission:

Ambry Genetics
Classification: Uncertain significance for Inborn genetic diseases. Last evaluated: 2025-11-11. Review status: criteria provided, single submitter. Criteria: Ambry Variant Classification Scheme 2023. Collection method: clinical testing. Allele origin: germline.
Comment: The p.C1009Y variant (also known as c.3026G>A), located in coding exon 1 of the SAMD9L gene, results from a G to A substitution at nucleotide position 3026. The cysteine at codon 1009 is replaced by tyrosine, an amino acid with highly dissimilar properties. This amino acid position is conserved. In addition, this alteration is predicted to be tolerated by in silico analysis. Based on the available evidence, the clinical significance of this variant remains unclear.